The following is an entry in ClinVar:

ClinVar aggregate classification (germline): Conflicting classifications of pathogenicity. Review status: criteria provided, conflicting classifications (1 of 4 stars). 4 submissions from 4 submitters: Uncertain significance (2); Likely benign (1). 1 of the submissions does not count toward it. Last evaluated 2026-01-26.

Conditions:
COL7A1-related disorder. Also called: COL7A1- related disorders; COL7A1-related condition.

Allele frequency attached by ClinVar (database versions not stated): gnomAD exomes 0.00008 and 0.00024; ExAC 0.00038; ESP Exome Variant Server 0.00069; gnomAD 0.00086 and 0.00089; TOPMed 0.00092; 1000 Genomes Project 0.00200; 1000 Genomes Project 30x 0.00250.
gnomAD v4.1: 252 of 1,613,192 alleles (0.016%); highest among the groups gnomAD compares: African/African-American, 0.28%; no homozygotes.

Submissions (4):

Labcorp Genetics (formerly Invitae), Labcorp
Classification: Likely benign. Last evaluated: 2026-01-26. Review status: criteria provided, single submitter. Criteria: Invitae Variant Classification Sherloc (09022015). Collection method: clinical testing. Allele origin: germline.

Blueprint Genetics
Classification: Uncertain significance. Last evaluated: 2024-07-18. Review status: criteria provided, single submitter. Criteria: ACMG Guidelines, 2015. Collection method: clinical testing. Allele origin: germline.

GeneDx
Classification: Uncertain significance. Last evaluated: 2023-08-23. Review status: criteria provided, single submitter. Criteria: GeneDx Variant Classification Process June 2021. Collection method: clinical testing. Allele origin: germline. Affected: yes.
Comment: In silico analysis supports that this missense variant does not alter protein structure/function; Has not been previously published as pathogenic or benign to our knowledge

PreventionGenetics, part of Exact Sciences
Classification: Likely benign for COL7A1-related condition. Last evaluated: 2024-01-04. Review status: no assertion criteria provided. Collection method: clinical testing. Allele origin: germline. Not counted in ClinVar's aggregate classification.
Comment: This variant is classified as likely benign based on ACMG/AMP sequence variant interpretation guidelines (Richards et al. 2015 PMID: 25741868, with internal and published modifications).

NM_000094.4(COL7A1):c.8530C>T (p.Arg2844Trp)

Gene: COL7A1 (collagen type VII alpha 1 chain; minus strand). Cytogenetic location: 3p21.31.
Variant type: single nucleotide variant.
Coding change: c.8530C>T on transcript NM_000094.4 (MANE Select); coding-DNA position 8530, C replaced by T.
Protein change: p.Arg2844Trp; replaces arginine 2844 with tryptophan.
Molecular consequence: missense variant.
Genome position (GRCh38, 1-based): chr3:48,565,199, G>A on the plus strand (C>T on the coding strand, the complement: COL7A1 is on the minus strand). VCF-style: chr3-48565199-G-A. GRCh37 (hg19) VCF-style: chr3-48602632-G-A.
Other names: short protein forms R2844W.
Identifiers: ClinVar variation 453021 (VCV000453021.19), dbSNP rs138002006, ClinGen allele CA2377949.